The following is an entry in ClinVar:

NM_001366385.1(CARD14):c.267G>A (p.Leu89=)

Gene: CARD14 (caspase recruitment domain family member 14; plus strand). Cytogenetic location: 17q25.3.
Variant type: single nucleotide variant.
Coding change: c.267G>A on transcript NM_001366385.1 (MANE Select); coding-DNA position 267, G replaced by A.
Protein change: p.Leu89=; no amino-acid change (leucine 89 retained).
Molecular consequence: synonymous variant. On other transcripts: non-coding transcript variant (1).
Genome position (GRCh38, 1-based): chr17:80,182,708, G>A. VCF-style: chr17-80182708-G-A. GRCh37 (hg19) VCF-style: chr17-78156507-G-A.
Other names: c.267G>A, p.Leu89= (NM_001257970.1, NM_024110.4).
Identifiers: ClinVar variation 855891 (VCV000855891.1), dbSNP rs373005620, ClinGen allele CA294856839.

ClinVar aggregate classification (germline): Uncertain significance (1 of 4 stars; one submission).

Conditions:
Pityriasis rubra pilaris (PRP). Also called: Pityriasis rubra pilaris--familial type. Identifiers: Orphanet 2897, MedGen C0032027, MONDO:0100017, OMIM 173200, MONDO:0008251.
Psoriasis 2. Identifiers: MedGen C1864497, MONDO:0011269, OMIM 602723.

Allele frequency attached by ClinVar (database versions not stated): gnomAD exomes below 0.00001.
gnomAD v4.1: 1 of 1,614,110 alleles (0.000062%); highest among the groups gnomAD compares: South Asian, 0.0011%; no homozygotes.

Submission:

Labcorp Genetics (formerly Invitae), Labcorp
Classification: Uncertain significance for Pityriasis rubra pilaris; Psoriasis susceptibility 2. Last evaluated: 2019-12-21. Review status: criteria provided, single submitter. Criteria: Invitae Variant Classification Sherloc (09022015). Collection method: clinical testing. Allele origin: germline.
Comment: This sequence change affects codon 89 of the CARD14 mRNA. It is a 'silent' change, meaning that it does not change the encoded amino acid sequence of the CARD14 protein. This variant is not present in population databases (ExAC no frequency). This variant has not been reported in the literature in individuals with CARD14-related conditions. Algorithms developed to predict the effect of sequence changes on RNA splicing suggest that this variant may create or strengthen a splice site, but this prediction has not been confirmed by published transcriptional studies. In summary, the available evidence is currently insufficient to determine the role of this variant in disease. Therefore, it has been classified as a Variant of Uncertain Significance.